The following is an entry in ClinVar:

ClinVar aggregate classification (germline): Uncertain significance. Review status: criteria provided, multiple submitters, no conflicts (2 of 4 stars). 2 submissions from 2 submitters: Uncertain significance (2). Last evaluated 2023-03-20.

Conditions:
Inborn genetic diseases. Identifiers: MedGen C0950123, MeSH D030342.

Allele frequency attached by ClinVar (database versions not stated): gnomAD exomes below 0.00001; gnomAD 0.00001.
gnomAD v4.1: 2 of 1,205,623 alleles (0.00017%); highest among the groups gnomAD compares: Middle Eastern, 0.023%; no homozygotes.

Submissions (2):

GeneDx
Classification: Uncertain significance. Last evaluated: 2023-03-20. Review status: criteria provided, single submitter. Criteria: GeneDx Variant Classification Process June 2021. Collection method: clinical testing. Allele origin: germline. Affected: yes.
Comment: In silico analysis supports that this missense variant has a deleterious effect on protein structure/function; Has not been previously published as pathogenic or benign to our knowledge

Ambry Genetics
Classification: Uncertain significance for Inborn genetic diseases. Last evaluated: 2018-05-01. Review status: criteria provided, single submitter. Criteria: Ambry Variant Classification Scheme 2023. Collection method: clinical testing. Allele origin: germline.
Comment: The p.L148F variant (also known as c.442C>T), located in coding exon 6 of the WDR45 gene, results from a C to T substitution at nucleotide position 442. The leucine at codon 148 is replaced by phenylalanine, an amino acid with highly similar properties. This amino acid position is highly conserved in available vertebrate species. In addition, the in silico prediction for this alteration is inconclusive. Since supporting evidence is limited at this time, the clinical significance of this alteration remains unclear.

NM_001029896.2(WDR45):c.439C>T (p.Leu147Phe)

Gene: WDR45 (WD repeat domain 45; minus strand). Cytogenetic location: Xp11.23.
Variant type: single nucleotide variant.
Coding change: c.439C>T on transcript NM_001029896.2 (MANE Select); coding-DNA position 439, C replaced by T.
Protein change: p.Leu147Phe; replaces leucine 147 with phenylalanine.
Molecular consequence: missense variant.
Genome position (GRCh38, 1-based): chrX:49,075,943, G>A on the plus strand (C>T on the coding strand, the complement: WDR45 is on the minus strand). VCF-style: chrX-49075943-G-A. GRCh37 (hg19) VCF-style: chrX-48933602-G-A.
Other names: c.442C>T, p.Leu148Phe (NM_007075.4); short protein forms L147F, L148F.
Identifiers: ClinVar variation 1740533 (VCV001740533.3), dbSNP rs1557084144, ClinGen allele CA412945565.